The following is an entry in ClinVar:

ClinVar aggregate classification (germline): Likely pathogenic (1 of 4 stars; one submission).

Conditions:
Familial dysautonomia. Also called: FD; HSAN III. Identifiers: Orphanet 1764, MedGen C0013364, MONDO:0009131, OMIM 223900. Disease mechanism: loss of function.

Submission:

Natera, Inc.
Classification: Likely pathogenic for Familial dysautonomia. Last evaluated: 2026-01-21. Review status: criteria provided, single submitter. Criteria: Natera Variant Classification Schema (03/2026). Collection method: clinical testing. Allele origin: germline.
Comment: The c.391C>T variant in ELP1 is a nonsense variant predicted to introduce a stop codon at amino acid 131. This variant is expected to result in nonsense mediated decay, truncation, or a dysfunctional protein product. This variant is rare in the general population with a frequency below the threshold expected for the associated phenotype(s). Given the available evidence, this variant is classified as Likely Pathogenic.

NM_003640.5(ELP1):c.391C>T (p.Gln131Ter)

Gene: ELP1 (elongator acetyltransferase complex subunit 1; minus strand). Cytogenetic location: 9q31.3.
Variant type: single nucleotide variant.
Coding change: c.391C>T on transcript NM_003640.5 (MANE Select); coding-DNA position 391, C replaced by T.
Protein change: p.Gln131Ter; replaces glutamine 131 with a stop codon.
Molecular consequence: nonsense. On other transcripts: 5 prime UTR variant (1).
Genome position (GRCh38, 1-based): chr9:108,926,598, G>A on the plus strand (C>T on the coding strand, the complement: ELP1 is on the minus strand). VCF-style: chr9-108926598-G-A. GRCh37 (hg19) VCF-style: chr9-111688878-G-A.
Other names: c.49C>T, p.Gln17Ter (NM_001318360.2); c.-469C>T (NM_001330749.2); short protein forms Q131*, Q17*.
Identifiers: ClinVar variation 4067243 (VCV004067243.2).
Genomic context (GRCh38, chr9:108,926,598, plus strand): 5'-CCTGATGGATCTGCTGCTCCAGGATTGGCTCAAAATCTTTTGTCATCATAATCAGGGTCT[G>A]TTGACCTTAGAGAAACACAAACAAAAATGATTTTGTTTTCATGTAACAAATTTGCCATTC-3'